The following is an entry in ClinVar:

NM_017534.6(MYH2):c.5647T>C (p.Ser1883Pro)

Genes: MYH2 (myosin heavy chain 2; minus strand), MYHAS (myosin heavy chain gene cluster antisense RNA; plus strand). Cytogenetic location: 17p13.1.
Variant type: single nucleotide variant.
Coding change: c.5647T>C on transcript NM_017534.6 (MANE Select); coding-DNA position 5647, T replaced by C.
Protein change: p.Ser1883Pro; replaces serine 1883 with proline.
Molecular consequence: missense variant.
Genome position (GRCh38, 1-based): chr17:10,523,116, A>G on the plus strand (T>C on the coding strand, the complement: MYH2 is on the minus strand). VCF-style: chr17-10523116-A-G. GRCh37 (hg19) VCF-style: chr17-10426433-A-G.
Other names: c.5647T>C, p.Ser1883Pro (NM_001100112.2); short protein forms S1883P.
Identifiers: ClinVar variation 1372357 (VCV001372357.6), dbSNP rs746016363, ClinGen allele CA398113648.
Genomic context (GRCh38, chr17:10,523,116, plus strand): 5'-TTAATTTGAGGACTTCAATCTTAAAAATACTTACAGCCTCCTCAGCTTGTCTCTTATAAG[A>G]TTTCACTTTTGCCTGAAGTTTATCTACCAAATCTTGAAGCCTGAGAATATTCTTTCTATC-3'
Protein context (NP_060004.3, residues 1873-1893): LVDKLQAKVK[Ser1883Pro]YKRQAEEAEE

ClinVar aggregate classification (germline): Uncertain significance (1 of 4 stars; one submission).

Conditions:
Myopathy, proximal, and ophthalmoplegia (CMYO6). Also called: CONGENITAL MYOPATHY 6 WITH OPHTHALMOPLEGIA; INCLUSION BODY MYOPATHY 3, AUTOSOMAL DOMINANT; MYOPATHY WITH CONGENITAL JOINT CONTRACTURES, OPHTHALMOPLEGIA, AND RIMMED VACUOLES. Identifiers: Orphanet 363677, Orphanet 79091, MedGen C1854106, MONDO:0011577, OMIM 605637.

Submission:

Labcorp Genetics (formerly Invitae), Labcorp
Classification: Uncertain significance for Myopathy, proximal, and ophthalmoplegia. Last evaluated: 2021-08-04. Review status: criteria provided, single submitter. Criteria: Invitae Variant Classification Sherloc (09022015). Collection method: clinical testing. Allele origin: germline.
Comment: This variant has not been reported in the literature in individuals affected with MYH2-related conditions. This variant is not present in population databases (ExAC no frequency). This sequence change replaces serine with proline at codon 1883 of the MYH2 protein (p.Ser1883Pro). The serine residue is highly conserved and there is a moderate physicochemical difference between serine and proline. In summary, the available evidence is currently insufficient to determine the role of this variant in disease. Therefore, it has been classified as a Variant of Uncertain Significance. Algorithms developed to predict the effect of missense changes on protein structure and function are either unavailable or do not agree on the potential impact of this missense change (SIFT: "Deleterious"; PolyPhen-2: "Benign"; Align-GVGD: "Class C0").